The following is an entry in ClinVar:

NM_001009944.3(PKD1):c.8916C>G (p.Asp2972Glu)

Gene: PKD1 (polycystin 1, transient receptor potential channel interacting; minus strand). Cytogenetic location: 16p13.3.
Variant type: single nucleotide variant.
Coding change: c.8916C>G on transcript NM_001009944.3 (MANE Select); coding-DNA position 8916, C replaced by G.
Protein change: p.Asp2972Glu; replaces aspartic acid 2972 with glutamic acid.
Molecular consequence: missense variant.
Genome position (GRCh38, 1-based): chr16:2,102,846, G>C on the plus strand (C>G on the coding strand, the complement: PKD1 is on the minus strand). VCF-style: chr16-2102846-G-C. GRCh37 (hg19) VCF-style: chr16-2152847-G-C.
Other names: c.8916C>G, p.Asp2972Glu (NM_000296.4); short protein forms D2972E.
Identifiers: ClinVar variation 5000954 (VCV005000954.1).
Genomic context (GRCh38, chr16:2,102,846, plus strand): 5'-CCCTGCCAGGCTGGCCCGCAGAGCTCACCCCGGGGAAATGAAGAAGGTGTAGGGCCGGTG[G>C]TCAGCACCCTGGAGTGACTCTGGGCGGATCCTCCTGCTAGCCGAGCAGTTGTGCTCATTG-3'
Protein context (NP_001009944.3, residues 2962-2982): RIRPESLQGA[Asp2972Glu]HRPYTFFISP

ClinVar aggregate classification (germline): Uncertain significance (1 of 4 stars; one submission).

Conditions:
PKD1-related disorder. Also called: PKD1-related condition.

gnomAD v4.1: 7 of 1,610,144 alleles (0.00043%); highest among the groups gnomAD compares: Non-Finnish European, 0.00059%; no homozygotes.

Submission:

PreventionGenetics, part of Exact Sciences
Classification: Uncertain significance for PKD1-related condition. Last evaluated: 2025-07-26. Review status: criteria provided, single submitter. Criteria: ACMG Guidelines, 2015. Collection method: clinical testing. Allele origin: germline.
Comment: The PKD1 c.8916C>G variant is predicted to result in the amino acid substitution p.Asp2972Glu. To our knowledge, this variant has not been reported in the literature. This variant is reported in 0.00089% of alleles in individuals of European (Non-Finnish) descent in gnomAD. At this time, the clinical significance of this variant is uncertain due to the absence of conclusive functional and genetic evidence.